The following is an entry in ClinVar:

NM_000138.5(FBN1):c.5198G>T (p.Cys1733Phe)

Gene: FBN1 (fibrillin 1; minus strand). Cytogenetic location: 15q21.1.
Variant type: single nucleotide variant.
Coding change: c.5198G>T on transcript NM_000138.5 (MANE Select); coding-DNA position 5198, G replaced by T.
Protein change: p.Cys1733Phe; replaces cysteine 1733 with phenylalanine.
Molecular consequence: missense variant.
Genome position (GRCh38, 1-based): chr15:48,463,108, C>A on the plus strand (G>T on the coding strand, the complement: FBN1 is on the minus strand). VCF-style: chr15-48463108-C-A. GRCh37 (hg19) VCF-style: chr15-48755305-C-A.
Other names: c.5198G>T, p.Cys1733Phe (NM_001406716.1); short protein forms C1733F.
Identifiers: ClinVar variation 3572463 (VCV003572463.1).

ClinVar aggregate classification (germline): Pathogenic (1 of 4 stars; one submission).

Submission:

GeneDx
Classification: Pathogenic. Last evaluated: 2024-07-09. Review status: criteria provided, single submitter. Criteria: GeneDx Variant Classification Process June 2021. Collection method: clinical testing. Allele origin: germline. Affected: yes.
Comment: Affects a cysteine residue within a TGF-binding protein domain (aka TB domain or 8-Cysteine domain) and is expected to disrupt disulfide bonding within this domain; other missense substitutions that affect cysteine residues within TGF-binding protein domains have been reported in association with FBN1-related disorders (PMID: 8281141, 21175431, 7622614); Not observed at significant frequency in large population cohorts (gnomAD); In silico analysis supports that this missense variant has a deleterious effect on protein structure/function; This variant is associated with the following publications: (PMID: 8281141, 21175431, 7622614, 25142510)